The following is an entry in ClinVar:

ClinVar aggregate classification (germline): Uncertain significance (1 of 4 stars; one submission).

Conditions:
Generalized epilepsy with febrile seizures plus, type 7 (GEFSP7). Also called: GEFS+, TYPE 7. Identifiers: Orphanet 36387, MedGen C2751778, MONDO:0013470, OMIM 613863.
Neuropathy, hereditary sensory and autonomic, type 2A (HSAN2A). Also called: MORVAN DISEASE; NEUROPATHY, CONGENITAL SENSORY; NEUROPATHY, HEREDITARY SENSORY RADICULAR, AUTOSOMAL RECESSIVE; NEUROPATHY, HEREDITARY SENSORY, TYPE IIA; NEUROPATHY, PROGRESSIVE SENSORY, OF CHILDREN; ACROOSTEOLYSIS, GIACCAI TYPE. Identifiers: Orphanet 970, MedGen C2752089, MONDO:0024309, OMIM 201300.

Submission:

Labcorp Genetics (formerly Invitae), Labcorp
Classification: Uncertain significance for Neuropathy, hereditary sensory and autonomic, type 2A; Generalized epilepsy with febrile seizures plus, type 7. Last evaluated: 2024-10-16. Review status: criteria provided, single submitter. Criteria: Invitae Variant Classification Sherloc (09022015). Collection method: clinical testing. Allele origin: germline.
Comment: This sequence change replaces serine, which is neutral and polar, with glycine, which is neutral and non-polar, at codon 513 of the SCN9A protein (p.Ser513Gly). This variant is not present in population databases (gnomAD no frequency). This variant has not been reported in the literature in individuals affected with SCN9A-related conditions. ClinVar contains an entry for this variant (Variation ID: 1975663). Invitae Evidence Modeling of protein sequence and biophysical properties (such as structural, functional, and spatial information, amino acid conservation, physicochemical variation, residue mobility, and thermodynamic stability) indicates that this missense variant is not expected to disrupt SCN9A protein function with a negative predictive value of 95%. In summary, the available evidence is currently insufficient to determine the role of this variant in disease. Therefore, it has been classified as a Variant of Uncertain Significance.

NM_001365536.1(SCN9A):c.1537A>G (p.Ser513Gly)

Genes: SCN9A (sodium voltage-gated channel alpha subunit 9; minus strand), SCN1A-AS1 (SCN1A and SCN9A antisense RNA 1; plus strand). Cytogenetic location: 2q24.3.
Variant type: single nucleotide variant.
Coding change: c.1537A>G on transcript NM_001365536.1 (MANE Select); coding-DNA position 1537, A replaced by G.
Protein change: p.Ser513Gly; replaces serine 513 with glycine.
Molecular consequence: missense variant.
Genome position (GRCh38, 1-based): chr2:166,286,401, T>C on the plus strand (A>G on the coding strand, the complement: SCN9A is on the minus strand). VCF-style: chr2-166286401-T-C. GRCh37 (hg19) VCF-style: chr2-167142911-T-C.
Other names: c.1537A>G, p.Ser513Gly (NM_002977.4); short protein forms S513G.
Identifiers: ClinVar variation 1975663 (VCV001975663.5), dbSNP rs2468039801, ClinGen allele CA349084448.